The following is an entry in ClinVar:

ClinVar aggregate classification (germline): Uncertain significance. Review status: criteria provided, multiple submitters, no conflicts (2 of 4 stars). 2 submissions from 2 submitters: Uncertain significance (2). Last evaluated 2024-05-23.

Allele frequency attached by ClinVar (database versions not stated): gnomAD exomes 0.00001; ExAC 0.00002; TOPMed 0.00005; gnomAD 0.00008; 1000 Genomes Project 30x 0.00042; 1000 Genomes Project 0.00053.
gnomAD v4.1: 17 of 1,209,580 alleles (0.0014%); highest among the groups gnomAD compares: African/African-American, 0.023%; no homozygotes.

Submissions (2):

Labcorp Genetics (formerly Invitae), Labcorp
Classification: Uncertain significance. Last evaluated: 2024-05-23. Review status: criteria provided, single submitter. Criteria: Invitae Variant Classification Sherloc (09022015). Collection method: clinical testing. Allele origin: germline.
Comment: This sequence change replaces valine, which is neutral and non-polar, with isoleucine, which is neutral and non-polar, at codon 233 of the SH3KBP1 protein (p.Val233Ile). This variant is present in population databases (rs777017532, gnomAD 0.04%), and has an allele count higher than expected for a pathogenic variant. This variant has not been reported in the literature in individuals affected with SH3KBP1-related conditions. ClinVar contains an entry for this variant (Variation ID: 2529161). Advanced modeling of protein sequence and biophysical properties (such as structural, functional, and spatial information, amino acid conservation, physicochemical variation, residue mobility, and thermodynamic stability) performed at Invitae indicates that this missense variant is not expected to disrupt SH3KBP1 protein function with a negative predictive value of 80%. In summary, the available evidence is currently insufficient to determine the role of this variant in disease. Therefore, it has been classified as a Variant of Uncertain Significance.

Ambry Genetics
Classification: Uncertain significance. Last evaluated: 2023-03-24. Review status: criteria provided, single submitter. Criteria: Ambry Variant Classification Scheme 2023. Collection method: clinical testing. Allele origin: germline.

NM_031892.3(SH3KBP1):c.697G>A (p.Val233Ile)

Gene: SH3KBP1 (SH3 domain containing kinase binding protein 1; minus strand). Cytogenetic location: Xp22.12.
Variant type: single nucleotide variant.
Coding change: c.697G>A on transcript NM_031892.3 (MANE Select); coding-DNA position 697, G replaced by A.
Protein change: p.Val233Ile; replaces valine 233 with isoleucine.
Molecular consequence: missense variant.
Genome position (GRCh38, 1-based): chrX:19,683,852, C>T on the plus strand (G>A on the coding strand, the complement: SH3KBP1 is on the minus strand). VCF-style: chrX-19683852-C-T. GRCh37 (hg19) VCF-style: chrX-19701970-C-T.
Other names: c.586G>A, p.Val196Ile (NM_001024666.3); c.697G>A, p.Val233Ile (NM_001353890.2); c.772G>A, p.Val258Ile (NM_001353891.2, NM_001353892.2); c.595G>A, p.Val199Ile (NM_001353893.2, NM_001353894.2); c.652G>A, p.Val218Ile (NM_001353895.2); c.829G>A, p.Val277Ile (NM_001410756.1, NM_001410757.1); c.520G>A, p.Val174Ile (NM_001410758.1); short protein forms V233I, V258I, V277I, V174I, V199I, V218I, V196I.
Identifiers: ClinVar variation 2529161 (VCV002529161.4), dbSNP rs777017532, ClinGen allele CA10364788.